The following is an entry in ClinVar:

NM_000256.3(MYBPC3):c.1897+5G>A

Gene: MYBPC3 (myosin binding protein C3; minus strand). Cytogenetic location: 11p11.2.
Variant type: single nucleotide variant.
Coding change: c.1897+5G>A on transcript NM_000256.3 (MANE Select); 5 bases into the intron after coding-DNA position 1897, G replaced by A.
Molecular consequence: intron variant.
Genome position (GRCh38, 1-based): chr11:47,341,133, C>T on the plus strand (G>A on the coding strand, the complement: MYBPC3 is on the minus strand). VCF-style: chr11-47341133-C-T. GRCh37 (hg19) VCF-style: chr11-47362684-C-T.
Identifiers: ClinVar variation 42583 (VCV000042583.8), dbSNP rs397515936, ClinGen allele CA011476.
Genomic context (GRCh38, chr11:47,341,133, plus strand): 5'-AGGGCCCAGTGACAGGGGCTCCTGGCCCCACTGCCCCGACCCACCCTACCCTGGAGCAGG[C>T]TCACCCATGAAGTGGAGCTTGGCTGACAGGTTGCAGGCGAAGCCCTCGGGCACAAAGCTG-3'

ClinVar aggregate classification (germline): Uncertain significance. Review status: criteria provided, multiple submitters, no conflicts (2 of 4 stars). 3 submissions from 3 submitters: Uncertain significance (3). Last evaluated 2023-05-26.

Conditions:
Cardiovascular phenotype. Identifiers: MedGen CN230736.
Hypertrophic cardiomyopathy. Also called: HYPERTROPHIC MYOCARDIOPATHY. Identifiers: Orphanet 217569, MedGen C0007194, MeSH D002312, MONDO:0005045, HP:0001639.

Submissions (3):

Labcorp Genetics (formerly Invitae), Labcorp
Classification: Uncertain significance for Hypertrophic cardiomyopathy. Last evaluated: 2023-05-26. Review status: criteria provided, single submitter. Criteria: Invitae Variant Classification Sherloc (09022015). Collection method: clinical testing. Allele origin: germline.
Comment: In summary, the available evidence is currently insufficient to determine the role of this variant in disease. Therefore, it has been classified as a Variant of Uncertain Significance. Variants that disrupt the consensus splice site are a relatively common cause of aberrant splicing (PMID: 17576681, 9536098). Algorithms developed to predict the effect of sequence changes on RNA splicing suggest that this variant may create or strengthen a splice site. ClinVar contains an entry for this variant (Variation ID: 42583). This variant has been observed in individual(s) with hypertrophic cardiomyopathy (PMID: 28679633, 35508642). This variant is not present in population databases (gnomAD no frequency). This sequence change falls in intron 19 of the MYBPC3 gene. It does not directly change the encoded amino acid sequence of the MYBPC3 protein. It affects a nucleotide within the consensus splice site.

Ambry Genetics
Classification: Uncertain significance for Cardiovascular phenotype. Last evaluated: 2018-05-31. Review status: criteria provided, single submitter. Criteria: Ambry Variant Classification Scheme 2023. Collection method: clinical testing. Allele origin: germline.
Comment: The c.1897+5G>A intronic alteration consists of a G to A substitution nucleotides after coding exon 19 in the MYBPC3 gene. Based on insufficient or conflicting evidence, the clinical significance of this alteration remains unclear.

Laboratory for Molecular Medicine, Mass General Brigham Personalized Medicine
Classification: Uncertain significance. Last evaluated: 2012-01-03. Review status: criteria provided, single submitter. Criteria: LMM Criteria. Collection method: clinical testing. Allele origin: germline. Observed: 2 variant alleles.
Comment: Variant classified as Uncertain Significance - Favor Pathogenic. The low frequency of the 1897+5G>A variant in this population supports a pathoge nic role. This variant is located in the 5' splice region but does not affect th e highly conserved +1 and +2 positions. However, positions +3 to +6 are part of the splicing consensus sequence and variants involving these positions sometimes affect splicing. Computational splicing tools (SpliceSiteFinder-like, MaxEntSca n, NNSPLICE, GeneSplicer, Human Splicing Finder) predict that the variant may af fect splicing, though the accuracy of these tools has not been validated by our laboratory. Additional information is needed to fully access the clinical signif icance of the 1897+5G>A variant.

Literature cited by the submitters: PubMed 17576681 (cited by Labcorp Genetics (formerly Invitae), Labcorp); PubMed 9536098 (cited by Labcorp Genetics (formerly Invitae), Labcorp); PubMed 28679633 (cited by Labcorp Genetics (formerly Invitae), Labcorp and Laboratory for Molecular Medicine, Mass General Brigham Personalized Medicine); PubMed 35508642 (cited by Labcorp Genetics (formerly Invitae), Labcorp).